The following is an entry in ClinVar:

NM_001048174.2(MUTYH):c.1087dup (p.Gln363fs)

Gene: MUTYH (mutY DNA glycosylase; minus strand). Cytogenetic location: 1p34.1.
Variant type: Duplication.
Coding change: c.1087dup on transcript NM_001048174.2 (MANE Select); coding-DNA position 1087, one base duplicated (C; older notation c.1087dupC).
Protein change: p.Gln363fs; shifts the reading frame from glutamine 363.
Molecular consequence: frameshift variant. On other transcripts: non-coding transcript variant (7).
Genome position (GRCh38, 1-based): chr1:45,331,676, G duplicated on the plus strand (C on the coding strand, the reverse complement: MUTYH is on the minus strand). VCF-style (leftmost placement, unchanged base first): chr1-45331675-T-TG. GRCh37 (hg19) VCF-style: chr1-45797347-T-TG.
Other names: c.1120dup, p.Gln374fs (NM_001293191.2, NM_001407069.1, NM_001407077.1); c.811dup, p.Gln271fs (NM_001293192.2, NM_001293196.2, NM_001407091.1); c.1087dup, p.Gln363fs (NM_001293195.2, NM_001407070.1, NM_001407072.1 and 6 more transcripts); c.742dup, p.Gln248fs (NM_001350650.2, NM_001350651.2, NM_001407082.1); c.1090dup, p.Gln364fs (NM_001407071.1, NM_001048172.2, NM_001407078.1 and 1 more transcripts); c.1171dup, p.Gln391fs (NM_001128425.2); c.1132dup, p.Gln378fs (NM_001293190.2); c.1003dup, p.Gln335fs (NM_001407075.1); and 5 more; short protein forms Q248fs, Q377fs, Q350fs, Q364fs, Q378fs, Q388fs, Q391fs, Q335fs.
Identifiers: ClinVar variation 2964933 (VCV002964933.3), dbSNP rs2523990767, ClinGen allele CA2740090683.

ClinVar aggregate classification (germline): Likely pathogenic (1 of 4 stars; one submission).

Conditions:
Familial adenomatous polyposis 2. Also called: MYH-associated polyposis; FAP type 2; MUTYH-associated polyposis; MUTYH-related attenuated familial adenomatous polyposis; COLORECTAL ADENOMATOUS POLYPOSIS, AUTOSOMAL RECESSIVE; ADENOMAS, MULTIPLE COLORECTAL, AUTOSOMAL RECESSIVE. Identifiers: Orphanet 220460, Orphanet 247798, MedGen C3272841, MONDO:0012041, OMIM 608456.

Submission:

Labcorp Genetics (formerly Invitae), Labcorp
Classification: Likely pathogenic for Familial adenomatous polyposis 2. Last evaluated: 2023-07-29. Review status: criteria provided, single submitter. Criteria: Invitae Variant Classification Sherloc (09022015). Collection method: clinical testing. Allele origin: germline.
Comment: In summary, the currently available evidence indicates that the variant is pathogenic, but additional data are needed to prove that conclusively. Therefore, this variant has been classified as Likely Pathogenic. This variant disrupts the conserved PCNA binding motif of the MUTYH protein, which has been shown to be critical for MUTYH-PCNA binding and repair efficiency (PMID: 11092888, 26377631, 11433026, 11864576). While functional studies have not been performed to directly test the effect of this variant on MUTYH protein function, this suggests that disruption of this region of the protein is causative of disease. This sequence change creates a premature translational stop signal (p.Gln391Profs*141) in the MUTYH gene. While this is not anticipated to result in nonsense mediated decay, it is expected to disrupt the last 159 amino acid(s) of the MUTYH protein. This variant is also known as Gln512-Phe519. This variant has not been reported in the literature in individuals affected with MUTYH-related conditions. This variant is not present in population databases (gnomAD no frequency).

Literature cited by the submitters: PubMed 11092888; PubMed 26377631; PubMed 11433026; PubMed 11864576.